The following is an entry in ClinVar:

NM_015047.3(EMC1):c.1674dup (p.Gln559fs)

Genes: EMC1 (ER membrane protein complex subunit 1; minus strand), EMC1-AS1 (EMC1 antisense RNA 1; plus strand). Cytogenetic location: 1p36.13.
Variant type: Duplication.
Coding change: c.1674dup on transcript NM_015047.3 (MANE Select); coding-DNA position 1674, one base duplicated (A; older notation c.1674dupA).
Protein change: p.Gln559fs; shifts the reading frame from glutamine 559.
Molecular consequence: frameshift variant.
Genome position (GRCh38, 1-based): chr1:19,232,732, T duplicated on the plus strand (A on the coding strand, the reverse complement: EMC1 is on the minus strand); the first of 3 consecutive T bases (chr1:19,232,732-19,232,734); duplicating any one gives the same sequence. VCF-style (leftmost placement, unchanged base first): chr1-19232731-G-GT. GRCh37 (hg19) VCF-style: chr1-19559225-G-GT.
Other names: c.1671dup, p.Gln558fs (NM_001271427.2, NM_001271428.2); c.1608dup, p.Gln537fs (NM_001271429.2); c.1683dup, p.Gln562fs (NM_001375820.1); c.1680dup, p.Gln561fs (NM_001375821.1); short protein forms Q559fs, Q537fs, Q561fs, Q562fs, Q558fs.
Identifiers: ClinVar variation 2093370 (VCV002093370.4), dbSNP rs2536730722, ClinGen allele CA2580061420.

ClinVar aggregate classification (germline): Pathogenic (1 of 4 stars; one submission).

Submission:

Labcorp Genetics (formerly Invitae), Labcorp
Classification: Pathogenic. Last evaluated: 2022-02-05. Review status: criteria provided, single submitter. Criteria: Invitae Variant Classification Sherloc (09022015). Collection method: clinical testing. Allele origin: germline.
Comment: For these reasons, this variant has been classified as Pathogenic. This variant has not been reported in the literature in individuals affected with EMC1-related conditions. This variant is not present in population databases (gnomAD no frequency). This sequence change creates a premature translational stop signal (p.Gln559Thrfs*13) in the EMC1 gene. It is expected to result in an absent or disrupted protein product. Loss-of-function variants in EMC1 are known to be pathogenic (PMID: 26572623, 26942288, 29271071).

Literature cited by the submitters: PubMed 26572623; PubMed 26942288; PubMed 29271071.